The following is an entry in ClinVar:

NM_020549.5(CHAT):c.1516G>T (p.Val506Leu)

Gene: CHAT (choline O-acetyltransferase; plus strand). Cytogenetic location: 10q11.23.
Variant type: single nucleotide variant.
Coding change: c.1516G>T on transcript NM_020549.5 (MANE Select); coding-DNA position 1516, G replaced by T.
Protein change: p.Val506Leu; replaces valine 506 with leucine.
Molecular consequence: missense variant.
Genome position (GRCh38, 1-based): chr10:49,651,888, G>T. VCF-style: chr10-49651888-G-T. GRCh37 (hg19) VCF-style: chr10-50859934-G-T.
Other names: c.1162G>T, p.Val388Leu (NM_001142929.2, NM_001142934.2, NM_020984.4 and 2 more transcripts); c.1270G>T, p.Val424Leu (NM_001142933.2); short protein forms V506L, V388L, V424L.
Identifiers: ClinVar variation 17508 (VCV000017508.4), dbSNP rs121912817, ClinGen allele CA257981.

ClinVar aggregate classification (germline): Likely pathogenic. Review status: criteria provided, single submitter (1 of 4 stars). 2 submissions from 2 submitters: Likely pathogenic (1). 1 of the submissions does not count toward it. Last evaluated 2025-08-15.

Conditions:
Familial infantile myasthenia (CMS6). Also called: MYASTHENIC SYNDROME, CONGENITAL, 6, PRESYNAPTIC; Congenital myasthenic syndrome type 6; MYASTHENIC SYNDROME, PRESYNAPTIC, CONGENITAL, ASSOCIATED WITH EPISODIC APNEA. Identifiers: Orphanet 590, MedGen C0393929, MONDO:0009689, OMIM 254210.

Allele frequency attached by ClinVar (database versions not stated): gnomAD 0.00001; TOPMed 0.00001.
gnomAD v4.1: 2 of 1,613,702 alleles (0.00012%); highest among the groups gnomAD compares: Non-Finnish European, 0.00017%; no homozygotes.

Submissions (2):

Labcorp Genetics (formerly Invitae), Labcorp
Classification: Likely pathogenic for Familial infantile myasthenia. Last evaluated: 2025-08-15. Review status: criteria provided, single submitter. Criteria: Invitae Variant Classification Sherloc (09022015). Collection method: clinical testing. Allele origin: germline.
Comment: This sequence change replaces valine, which is neutral and non-polar, with leucine, which is neutral and non-polar, at codon 506 of the CHAT protein (p.Val506Leu). This variant is not present in population databases (gnomAD no frequency). This missense change has been observed in individuals with congenital myasthenic syndrome (PMID: 11172068, 26080897). It has also been observed to segregate with disease in related individuals. ClinVar contains an entry for this variant (Variation ID: 17508). Invitae Evidence Modeling of protein sequence and biophysical properties (such as structural, functional, and spatial information, amino acid conservation, physicochemical variation, residue mobility, and thermodynamic stability) indicates that this missense variant is not expected to disrupt CHAT protein function with a negative predictive value of 95%. Experimental studies have shown that this missense change affects CHAT function (PMID: 11172068). In summary, the currently available evidence indicates that the variant is pathogenic, but additional data are needed to prove that conclusively. Therefore, this variant has been classified as Likely Pathogenic.

OMIM
Classification: Pathogenic for MYASTHENIC SYNDROME, CONGENITAL, 6, PRESYNAPTIC. Last evaluated: 2001-02-13. Review status: no assertion criteria provided. Collection method: literature only. Allele origin: germline. Not counted in ClinVar's aggregate classification.

Literature cited by the submitters: PubMed 11172068 (cited by Labcorp Genetics (formerly Invitae), Labcorp and OMIM); PubMed 26080897 (cited by Labcorp Genetics (formerly Invitae), Labcorp).